The following is an entry in ClinVar:

ClinVar aggregate classification (germline): Uncertain significance (0 of 4 stars; one submission).

Conditions:
SMARCA2-related disorder. Also called: SMARCA2-related condition.

gnomAD v4.1: 2 of 1,588,390 alleles (0.00013%); highest among the groups gnomAD compares: South Asian, 0.0023%; no homozygotes.

Submission:

PreventionGenetics, part of Exact Sciences
Classification: Uncertain significance for SMARCA2-related condition. Last evaluated: 2024-04-25. Review status: no assertion criteria provided. Collection method: clinical testing. Allele origin: germline.
Comment: The SMARCA2 c.3456+7A>G variant is predicted to interfere with splicing. To our knowledge, this variant has not been reported in the literature. This variant is reported in 0.0079% of alleles in individuals of South Asian descent in gnomAD). This variant is predicted to alter splicing based on available splicing prediction software (SpliceAI, Jaganathan et al. 2019. PubMed ID: 30661751). However, the use of computer prediction softwares is not equivalent to functional evidence. At this time, the clinical significance of this variant is uncertain due to the absence of conclusive functional and genetic evidence.

NM_003070.5(SMARCA2):c.3456+7A>G

Gene: SMARCA2 (SWI/SNF related BAF chromatin remodeling complex subunit ATPase 2; plus strand). Cytogenetic location: 9p24.3.
Variant type: single nucleotide variant.
Coding change: c.3456+7A>G on transcript NM_003070.5 (MANE Select); 7 bases into the intron after coding-DNA position 3456, A replaced by G.
Molecular consequence: intron variant.
Genome position (GRCh38, 1-based): chr9:2,110,424, A>G. VCF-style: chr9-2110424-A-G. GRCh37 (hg19) VCF-style: chr9-2110424-A-G.
Other names: c.3456+7A>G (NM_139045.4, NM_001289396.2); c.3282+7A>G (NM_001289397.2).
Identifiers: ClinVar variation 3349685 (VCV003349685.1).